The following is an entry in ClinVar:

ClinVar aggregate classification (germline): Benign. Review status: criteria provided, multiple submitters, no conflicts (2 of 4 stars). 9 submissions from 9 submitters: Benign (6). 3 of the submissions do not count toward it. Last evaluated 2026-02-04.

Conditions:
Episodic ataxia type 2 (EA2). Also called: EPISODIC ATAXIA, NYSTAGMUS-ASSOCIATED; ACETAZOLAMIDE-RESPONSIVE HEREDITARY PAROXYSMAL CEREBELLAR ATAXIA; ATAXIA, EPISODIC, WITH NYSTAGMUS; ATAXIA, FAMILIAL PAROXYSMAL; CEREBELLAR ATAXIA, PAROXYSMAL, ACETAZOLAMIDE-RESPONSIVE; CEREBELLOPATHY, HEREDITARY PAROXYSMAL. Identifiers: Orphanet 97, MedGen C1720416, MONDO:0007163, OMIM 108500.
Developmental and epileptic encephalopathy, 42 (DEE42A). Also called: Epileptic encephalopathy, early infantile, 42; DEVELOPMENTAL AND EPILEPTIC ENCEPHALOPATHY 42A; EPILEPTIC ENCEPHALOPATHY, EARLY INFANTILE, 42A. Identifiers: MedGen C4310716, MONDO:0014917, OMIM 617106.

Allele frequency attached by ClinVar (database versions not stated): ESP Exome Variant Server 0.14478; gnomAD exomes 0.15316 and 0.19950; gnomAD 0.16269 and 0.17216; TOPMed 0.18454; ExAC 0.19423; 1000 Genomes Project 30x 0.28014; 1000 Genomes Project 0.28954.
gnomAD v4.1: 251,098 of 1,612,806 alleles (16%); highest among the groups gnomAD compares: East Asian, 61%; 26,312 homozygotes.

Submissions (9):

Labcorp Genetics (formerly Invitae), Labcorp
Classification: Benign for Developmental and epileptic encephalopathy, 42; Episodic ataxia type 2. Last evaluated: 2026-02-04. Review status: criteria provided, single submitter. Criteria: Invitae Variant Classification Sherloc (09022015). Collection method: clinical testing. Allele origin: germline.

Blueprint Genetics
Classification: Benign. Last evaluated: 2024-11-28. Review status: criteria provided, single submitter. Criteria: ACMG Guidelines, 2015. Collection method: clinical testing. Allele origin: germline.

Unidad de Genómica Garrahan, Hospital de Pediatría Garrahan
Classification: Benign. Last evaluated: 2024-07-15. Review status: criteria provided, single submitter. Criteria: ACMG Guidelines, 2015. Collection method: clinical testing. Allele origin: germline. Affected: no. Observed: 39 variant alleles.
Comment: This variant is classified as Benign based on local population frequency. This variant was detected in 42% of patients studied in a panel designed for Epileptic and Developmental Encephalopathy and Progressive Myoclonus Epilepsy. Number of patients: 39. Only high quality variants are reported.

GeneDx
Classification: Benign. Last evaluated: 2016-01-07. Review status: criteria provided, single submitter. Criteria: GeneDx Variant Classification (06012015). Collection method: clinical testing. Allele origin: germline. Affected: yes.
Comment: This variant is considered likely benign or benign based on one or more of the following criteria: it is a conservative change, it occurs at a poorly conserved position in the protein, it is predicted to be benign by multiple in silico algorithms, and/or has population frequency not consistent with disease.

Breakthrough Genomics
Classification: Benign. Review status: criteria provided, single submitter. Criteria: ACMG Guidelines, 2015. Collection method: not provided. Allele origin: germline. Inheritance: Autosomal dominant inheritance. Affected: yes.

PreventionGenetics, part of Exact Sciences
Classification: Benign. Review status: criteria provided, single submitter. Criteria: ACMG Guidelines, 2015. Collection method: clinical testing. Allele origin: germline.

Clinical Genetics DNA and cytogenetics Diagnostics Lab, Erasmus MC, Erasmus Medical Center
Classification: Benign. Review status: no assertion criteria provided. Collection method: clinical testing. Allele origin: germline. Affected: yes. Study: VKGL Data-share Consensus. Not counted in ClinVar's aggregate classification.

Diagnostic Laboratory, Department of Genetics, University Medical Center Groningen
Classification: Benign. Review status: no assertion criteria provided. Collection method: clinical testing. Allele origin: germline. Affected: yes. Study: VKGL Data-share Consensus. Not counted in ClinVar's aggregate classification.

Joint Genome Diagnostic Labs from Nijmegen and Maastricht, Radboudumc and MUMC+
Classification: Benign. Review status: no assertion criteria provided. Collection method: clinical testing. Allele origin: germline. Affected: yes. Study: VKGL Data-share Consensus. Not counted in ClinVar's aggregate classification.

NM_001127222.2(CACNA1A):c.5401-14C>T

Gene: CACNA1A (calcium voltage-gated channel subunit alpha1 A; minus strand). Cytogenetic location: 19p13.13.
Variant type: single nucleotide variant.
Coding change: c.5401-14C>T on transcript NM_001127222.2 (MANE Select); 14 bases into the intron before coding-DNA position 5401, C replaced by T.
Molecular consequence: intron variant.
Genome position (GRCh38, 1-based): chr19:13,230,223, G>A on the plus strand (C>T on the coding strand, the complement: CACNA1A is on the minus strand). VCF-style: chr19-13230223-G-A. GRCh37 (hg19) VCF-style: chr19-13341037-G-A.
Other names: c.5404-14C>T (NM_001127221.2); c.5410-14C>T (NM_001174080.2); c.5419-14C>T (NM_000068.4, NM_023035.3).
Identifiers: ClinVar variation 257511 (VCV000257511.20), dbSNP rs16042, ClinGen allele CA9239739.